The following is an entry in ClinVar:

ClinVar aggregate classification (germline): Uncertain significance. Review status: criteria provided, multiple submitters, no conflicts (2 of 4 stars). 3 submissions from 3 submitters: Uncertain significance (3). Last evaluated 2025-08-30.

Conditions:
Hereditary cancer-predisposing syndrome. Also called: Hereditary neoplastic syndrome; Neoplastic Syndromes, Hereditary; Tumor predisposition; Hereditary Cancer Syndrome. Identifiers: Orphanet 140162, MedGen C0027672, MeSH D009386, MONDO:0015356.
Microcephaly, normal intelligence and immunodeficiency (NBS). Also called: BERLIN BREAKAGE SYNDROME; Immunodeficiency, microcephaly with normal intelligence; SEEMANOVA SYNDROME II; Nijmegen breakage syndrome; Microcephaly with normal intelligence immunodeficiency and lymphoreticular malignancies; Nonsyndromal microcephaly autosomal recessive with normal intelligence. Identifiers: Orphanet 647, MedGen C0398791, MONDO:0009623, OMIM 251260.

Allele frequency attached by ClinVar (database versions not stated): gnomAD exomes below 0.00001.
gnomAD v4.1: 3 of 1,613,498 alleles (0.00019%); highest among the groups gnomAD compares: Non-Finnish European, 0.00025%; no homozygotes.

Submissions (3):

Ambry Genetics
Classification: Uncertain significance for Hereditary cancer-predisposing syndrome. Last evaluated: 2025-08-30. Review status: criteria provided, single submitter. Criteria: Ambry Variant Classification Scheme 2023. Collection method: clinical testing. Allele origin: germline.
Comment: The p.V386G variant (also known as c.1157T>G), located in coding exon 10 of the NBN gene, results from a T to G substitution at nucleotide position 1157. The valine at codon 386 is replaced by glycine, an amino acid with dissimilar properties. This amino acid position is conserved. In addition, this alteration is predicted to be tolerated by in silico analysis. Based on the available evidence, the clinical significance of this variant remains unclear.

Mayo Clinic Laboratories, Mayo Clinic
Classification: Uncertain significance. Last evaluated: 2023-07-25. Review status: criteria provided, single submitter. Criteria: ACMG Guidelines, 2015. Collection method: clinical testing. Allele origin: germline. Observed: 1 variant allele.
Comment: BP4, PM2_moderate

Labcorp Genetics (formerly Invitae), Labcorp
Classification: Uncertain significance for Microcephaly, normal intelligence and immunodeficiency. Last evaluated: 2022-12-22. Review status: criteria provided, single submitter. Criteria: Invitae Variant Classification Sherloc (09022015). Collection method: clinical testing. Allele origin: germline.
Comment: This variant is not present in population databases (gnomAD no frequency). ClinVar contains an entry for this variant (Variation ID: 1002576). This variant has not been reported in the literature in individuals affected with NBN-related conditions. This sequence change replaces valine, which is neutral and non-polar, with glycine, which is neutral and non-polar, at codon 386 of the NBN protein (p.Val386Gly). In summary, the available evidence is currently insufficient to determine the role of this variant in disease. Therefore, it has been classified as a Variant of Uncertain Significance. Algorithms developed to predict the effect of missense changes on protein structure and function (SIFT, PolyPhen-2, Align-GVGD) all suggest that this variant is likely to be tolerated.

NM_002485.5(NBN):c.1157T>G (p.Val386Gly)

Gene: NBN (nibrin; minus strand). Cytogenetic location: 8q21.3.
Variant type: single nucleotide variant.
Coding change: c.1157T>G on transcript NM_002485.5 (MANE Select); coding-DNA position 1157, T replaced by G.
Protein change: p.Val386Gly; replaces valine 386 with glycine.
Molecular consequence: missense variant.
Genome position (GRCh38, 1-based): chr8:89,955,523, A>C on the plus strand (T>G on the coding strand, the complement: NBN is on the minus strand). VCF-style: chr8-89955523-A-C. GRCh37 (hg19) VCF-style: chr8-90967751-A-C.
Other names: p.Val386Gly; c.1157T>G (NM_002485.4); c.911T>G, p.Val304Gly (NM_001024688.3); short protein forms V304G, V386G.
Identifiers: ClinVar variation 1002576 (VCV001002576.11), dbSNP rs1810672909, ClinGen allele CA371656467.